The following is an entry in ClinVar:

NM_000202.8(IDS):c.71_90del (p.Leu24fs)

Genes: IDS (iduronate 2-sulfatase; minus strand), LOC130068781 (ATAC-STARR-seq lymphoblastoid active region 30015; plus strand). Cytogenetic location: Xq28.
Variant type: Deletion.
Coding change: c.71_90del on transcript NM_000202.8 (MANE Select); coding-DNA positions 71 to 90, 20 bases deleted (TCGGATCCGAAACGCAGGCC).
Protein change: p.Leu24fs; shifts the reading frame from leucine 24.
Molecular consequence: frameshift variant. On other transcripts: 5 prime UTR variant (1), non-coding transcript variant (1).
Genome position (GRCh38, 1-based): chrX:149,505,048-149,505,067, GGCCTGCGTTTCGGATCCGA deleted on the plus strand (TCGGATCCGAAACGCAGGCC on the coding strand, the reverse complement: IDS is on the minus strand); deleting any 20 consecutive bases within chrX:149,505,048-149,505,069 gives the same sequence; the c. name uses the placement nearest the transcript's 3' end. VCF-style (leftmost placement, unchanged base first): chrX-149505047-TGGCCTGCGTTTCGGATCCGA-T. GRCh37 (hg19) VCF-style: chrX-148586577-TGGCCTGCGTTTCGGATCCGA-T.
Other names: c.-156_-137del (NM_001166550.4); c.71_90del, p.Leu24fs (NM_006123.5); short protein forms L24fs.
Identifiers: ClinVar variation 3255651 (VCV003255651.2).

ClinVar aggregate classification (germline): Pathogenic (1 of 4 stars; one submission).

Conditions:
Mucopolysaccharidosis, MPS-II (MPS2). Also called: Hunter Syndrome; IDURONATE 2-SULFATASE DEFICIENCY; Mucopolysaccharidosis Type II; Mucopolysaccharidosis type 2; Attenuated MPS (subtype; formerly known as mild MPS II); Severe MPS II. Identifiers: Orphanet 580, Orphanet 79388, MedGen C0026705, MONDO:0010674, OMIM 309900.

Submission:

Laboratory of Diagnosis and Therapy of Lysosomal Disorders, University of Padova
Classification: Pathogenic for Mucopolysaccharidosis, MPS-II. Last evaluated: 2024-06-07. Review status: criteria provided, single submitter. Criteria: ACMG Guidelines, 2015. Collection method: literature only. Allele origin: germline. Affected: yes. Observed: 1 variant allele.
Comment: Null variant (PVS1_VeryStrong), Absent from controls (or at low frequency) in gnomAD database (PM2_Moderate), Patient’s phenotype or family history highly specific for the disease (PP4_Moderate)

Classification method: ACMG Guidelines [PMID:25741868] with modifications

Literature cited by the submitters: PubMed 12655569; PubMed 21291454.